The following is an entry in ClinVar:

NM_000372.5(TYR):c.575C>A (p.Ser192Tyr)

Gene: TYR (tyrosinase; plus strand). Cytogenetic location: 11q14.3.
Variant type: single nucleotide variant.
Coding change: c.575C>A on transcript NM_000372.5 (MANE Select); coding-DNA position 575, C replaced by A.
Protein change: p.Ser192Tyr; replaces serine 192 with tyrosine.
Molecular consequence: missense variant.
Genome position (GRCh38, 1-based): chr11:89,178,528, C>A. VCF-style: chr11-89178528-C-A. GRCh37 (hg19) VCF-style: chr11-88911696-C-A.
Other names: TYR, SER192TYR (rs1042602); short protein forms S192Y.
Identifiers: ClinVar variation 3778 (VCV000003778.66), dbSNP rs1042602, ClinGen allele CA116436.

ClinVar aggregate classification (germline): Conflicting classifications of pathogenicity. Review status: criteria provided, conflicting classifications (1 of 4 stars). 24 submissions from 24 submitters: Pathogenic (2); Likely pathogenic (1); Uncertain significance (6); Benign (8); Likely benign (2). 5 of the submissions do not count toward it. Last evaluated 2026-09-01.

Conditions:
Albinism or congenital nystagmus.
Pigmentary skin disorders.
Oculocutaneous albinism. Identifiers: Orphanet 55, MedGen C0078918, MONDO:0018910.
Oculocutaneous albinism type 1A (OCA1A). Also called: Albinism, oculocutaneous, type IA. Identifiers: Orphanet 352731, Orphanet 79431, MedGen C4551504, MONDO:0008745, OMIM 203100. Disease mechanism: loss of function.
Oculocutaneous albinism type 1B (OCA1B). Also called: ALBINISM, OCULOCUTANEOUS, TYPE IB; ALBINISM, YELLOW MUTANT TYPE; YELLOW ALBINISM. Identifiers: Orphanet 352731, Orphanet 352737, Orphanet 79434, MedGen C1847024, MONDO:0011749, OMIM 606952.
SKIN/HAIR/EYE PIGMENTATION 3, LIGHT/DARK SKIN (SHEP3). Also called: SKIN/HAIR/EYE PIGMENTATION 3, BLUE/GREEN EYE COLOR; SKIN/HAIR/EYE PIGMENTATION 3, FRECKLING; EYE COLOR 1; EYE COLOR, GREEN/BLUE; SKIN/HAIR/EYE PIGMENTATION, VARIATION IN, 3. Identifiers: MedGen C2677190, OMIM 601800.

Allele frequency attached by ClinVar (database versions not stated): TOPMed 0.24617; gnomAD exomes 0.25421 and 0.32298; 1000 Genomes Project 30x 0.12836; gnomAD 0.24593 and 0.24046; ExAC 0.25182; 1000 Genomes Project 0.12340.
gnomAD v4.1: 507,529 of 1,613,856 alleles (31%); highest among the groups gnomAD compares: Non-Finnish European, 37%; 90,450 homozygotes.

Submissions 1 to 18 of 24:

CeGaT Center for Human Genetics Tuebingen
Classification: Benign. Last evaluated: 2026-09-01. Review status: criteria provided, single submitter. Criteria: CeGaT Center For Human Genetics Tuebingen Variant Classification Criteria Version 2. Collection method: clinical testing. Allele origin: germline. Affected: yes. Observed: 112 variant alleles.
Comment: TYR: BP4, BS1, BS2

Labcorp Genetics (formerly Invitae), Labcorp
Classification: Benign. Last evaluated: 2026-02-04. Review status: criteria provided, single submitter. Criteria: Invitae Variant Classification Sherloc (09022015). Collection method: clinical testing. Allele origin: germline.

Genetics Laboratory, Great Ormond Street Hospital NHS Foundation Trust, North Thames Genomic Laboratory Hub
Classification: Uncertain significance for Pigmentary skin disorders. Last evaluated: 2025-12-20. Review status: criteria provided, single submitter. Criteria: ACGS Best Practice Guidelines for Variant Classification in Rare Disease 2024 v1.2. Collection method: clinical testing. Allele origin: germline. Affected: yes.
Comment: BA1_standalone, BP4_supporting, PS3_strong, PP1_moderate, PM3_strong

Undiagnosed Diseases Network, NIH
Classification: Uncertain significance for Oculocutaneous albinism type 1A. Last evaluated: 2025-10-06. Review status: criteria provided, single submitter. Criteria: ACMG Guidelines, 2015. Collection method: clinical testing. Allele origin: unknown. Affected: yes. Observed: 1 variant allele, 1 compound heterozygote. Study: Undiagnosed Diseases Network (NIH), UDN.

Genomic Medicine Center of Excellence, King Faisal Specialist Hospital and Research Centre
Classification: Likely benign for Oculocutaneous albinism type 1A. Last evaluated: 2025-07-30. Review status: criteria provided, single submitter. Criteria: ACMG Guidelines, 2015. Collection method: clinical testing. Allele origin: germline.

Women's Health and Genetics/Laboratory Corporation of America, LabCorp
Classification: Benign. Last evaluated: 2025-05-23. Review status: criteria provided, single submitter. Criteria: LabCorp Variant Classification Summary - May 2015. Collection method: clinical testing. Allele origin: germline.
Comment: Variant summary: TYR c.575C>A (p.Ser192Tyr) results in a non-conservative amino acid change in the encoded protein sequence. Algorithms developed to predict the effect of missense changes on protein structure and function are either unavailable or do not agree on the potential impact of this missense change. The variant allele was found at a frequency of 0.25 in 251456 control chromosomes in the gnomAD database, including 10823 homozygotes. The observed variant frequency is approximately 45 fold of the estimated maximal expected allele frequency for a pathogenic variant in TYR causing Oculocutaneous Albinism phenotype (0.0056). c.575C>A has been reported in the literature in individuals affected with Oculocutaneous Albinism and nystagmus without strong evidence of causality (Wei_2015, Thomas_2017). These reports do not provide unequivocal conclusions about association of the variant with Oculocutaneous Albinism. At least two publications report experimental evidence evaluating an impact on protein function, showing ~60% of wildtype enzymatic activity and a reduction in pigment production in cells with the variant construct. The following publications have been ascertained in the context of this evaluation (PMID: 16907708, 28378818, 26165494). ClinVar contains an entry for this variant (Variation ID: 3778). Based on the evidence outlined above, the variant was classified as benign.

Greenwood Genetic Center Diagnostic Laboratories, Greenwood Genetic Center
Classification: Uncertain significance. Last evaluated: 2025-04-28. Review status: criteria provided, single submitter. Criteria: ACMG Guidelines, 2015. Collection method: clinical testing. Allele origin: germline. Affected: yes.
Comment: PS3, PP5, PM3

Laboratory of Genetics, Children's Clinical University Hospital Latvia
Classification: Pathogenic. Last evaluated: 2025-02-16. Review status: criteria provided, single submitter. Criteria: ACMG Guidelines, 2015. Collection method: clinical testing. Allele origin: germline. Affected: yes.

Blueprint Genetics
Classification: Likely benign. Last evaluated: 2024-11-27. Review status: criteria provided, single submitter. Criteria: ACMG Guidelines, 2015. Collection method: clinical testing. Allele origin: germline.

NHS Central & South Genomic Laboratory Hub
Classification: Uncertain significance for Albinism or congenital nystagmus. Last evaluated: 2024-07-01. Review status: criteria provided, single submitter. Criteria: ACMG Guidelines, 2015. Collection method: clinical testing. Allele origin: germline. Affected: yes.

Baylor Genetics
Classification: Pathogenic for SKIN/HAIR/EYE PIGMENTATION 3, LIGHT/DARK SKIN. Last evaluated: 2024-02-29. Review status: criteria provided, single submitter. Criteria: ACMG Guidelines, 2015. Collection method: clinical testing. Allele origin: unknown.

Genome-Nilou Lab
Classification: Benign for Oculocutaneous albinism type 1A. Last evaluated: 2021-07-22. Review status: criteria provided, single submitter. Criteria: ACMG Guidelines, 2015. Collection method: clinical testing. Allele origin: germline. Affected: no.

Mendelics
Classification: Benign for Oculocutaneous albinism type 1A. Last evaluated: 2019-05-28. Review status: criteria provided, single submitter. Criteria: Mendelics Assertion Criteria 2017. Collection method: clinical testing. Allele origin: unknown.

Illumina Laboratory Services, Illumina
Classification: Benign for Oculocutaneous albinism. Last evaluated: 2018-01-12. Review status: criteria provided, single submitter. Criteria: ICSL Variant Classification Criteria 13 December 2019. Collection method: clinical testing. Allele origin: germline.
Comment: This variant was observed in the ICSL laboratory as part of a predisposition screen in an ostensibly healthy population. It had not been previously curated by ICSL or reported in the Human Gene Mutation Database (HGMD: prior to June 1st, 2018), and was therefore a candidate for classification through an automated scoring system. Utilizing variant allele frequency, disease prevalence and penetrance estimates, and inheritance mode, an automated score was calculated to assess if this variant is too frequent to cause the disease. Based on the score and internal cut-off values, a variant classified as benign is not then subjected to further curation. The score for this variant resulted in a classification of benign for this disease.

Eurofins Ntd Llc (ga)
Classification: Benign. Last evaluated: 2014-12-16. Review status: criteria provided, single submitter. Criteria: EGL Classification Definitions 2015. Collection method: clinical testing. Allele origin: germline. Observed: 3 variant alleles, 2 heterozygotes, 1 homozygote.

Institute of Human Genetics, University Hospital of Duesseldorf
Classification: Likely pathogenic for Oculocutaneous albinism type 1B. Review status: criteria provided, single submitter. Criteria: ACMG Guidelines, 2015. Collection method: not provided. Allele origin: germline. Inheritance: Autosomal recessive inheritance. Affected: yes.

Laboratoire de Génétique Moléculaire, CHU Bordeaux
Classification: Uncertain significance for Oculocutaneous albinism type 1A. Review status: criteria provided, single submitter. Criteria: ACMG Guidelines, 2015. Collection method: clinical testing, in vitro. Allele origin: germline, not applicable. Affected: yes. Observed: 1 variant allele. Functional consequence: function uncertain.

Medical Molecular Genetics Department, National Research Center
Classification: Benign for Oculocutaneous albinism type 1A. Review status: criteria provided, single submitter. Criteria: ACMG Guidelines, 2015. Collection method: clinical testing. Allele origin: germline. Affected: yes.